The following is an entry in ClinVar:

ClinVar aggregate classification (germline): Uncertain significance. Review status: criteria provided, multiple submitters, no conflicts (2 of 4 stars). 2 submissions from 2 submitters: Uncertain significance (2). Last evaluated 2022-11-09.

Conditions:
Neuronal ceroid lipofuscinosis. Also called: Neuronal Ceroid Lipofuscinoses. Identifiers: Orphanet 216, Orphanet 79263, MedGen C0027877, MONDO:0016295. Disease mechanism: loss of function.

gnomAD v4.1: 6 of 1,612,960 alleles (0.00037%); highest among the groups gnomAD compares: South Asian, 0.0011%; no homozygotes.

Submissions (2):

Blueprint Genetics
Classification: Uncertain significance. Last evaluated: 2022-11-09. Review status: criteria provided, single submitter. Criteria: ACMG Guidelines, 2015. Collection method: clinical testing. Allele origin: germline.

Labcorp Genetics (formerly Invitae), Labcorp
Classification: Uncertain significance for Neuronal ceroid lipofuscinosis. Last evaluated: 2022-09-06. Review status: criteria provided, single submitter. Criteria: Invitae Variant Classification Sherloc (09022015). Collection method: clinical testing. Allele origin: germline.
Comment: This sequence change replaces glycine, which is neutral and non-polar, with serine, which is neutral and polar, at codon 369 of the CTSD protein (p.Gly369Ser). This variant is not present in population databases (gnomAD no frequency). This variant has not been reported in the literature in individuals affected with CTSD-related conditions. ClinVar contains an entry for this variant (Variation ID: 1022422). Algorithms developed to predict the effect of missense changes on protein structure and function are either unavailable or do not agree on the potential impact of this missense change (SIFT: "Deleterious"; PolyPhen-2: "Probably Damaging"; Align-GVGD: "Class C0"). Algorithms developed to predict the effect of sequence changes on RNA splicing suggest that this variant may create or strengthen a splice site. In summary, the available evidence is currently insufficient to determine the role of this variant in disease. Therefore, it has been classified as a Variant of Uncertain Significance.

NM_001909.5(CTSD):c.1105G>A (p.Gly369Ser)

Gene: CTSD (cathepsin D; minus strand). Cytogenetic location: 11p15.5.
Variant type: single nucleotide variant.
Coding change: c.1105G>A on transcript NM_001909.5 (MANE Select); coding-DNA position 1105, G replaced by A.
Protein change: p.Gly369Ser; replaces glycine 369 with serine.
Molecular consequence: missense variant.
Genome position (GRCh38, 1-based): chr11:1,753,637, C>T on the plus strand (G>A on the coding strand, the complement: CTSD is on the minus strand). VCF-style: chr11-1753637-C-T. GRCh37 (hg19) VCF-style: chr11-1774867-C-T.
Other names: short protein forms G369S.
Identifiers: ClinVar variation 1022422 (VCV001022422.7), dbSNP rs1845755979, ClinGen allele CA379092693.
Genomic context (GRCh38, chr11:1,753,637, plus strand): 5'-AGACGTCGCCCAGGATCCAGAGTGGCCCGCTGGGTGGCGGGATGTCCATGCCCATGAAGC[C>T]GCTCAGGCAGAGGGTCTTCCCGGCCTGCGACACCTGGGACGGCCCTGGTGGTCAGTACCC-3'
Protein context (NP_001900.1, residues 359-379): SQAGKTLCLS[Gly369Ser]FMGMDIPPPS